The following is an entry in ClinVar:

ClinVar aggregate classification (germline): Pathogenic/Likely pathogenic. Review status: criteria provided, multiple submitters, no conflicts (2 of 4 stars). 3 submissions from 3 submitters: Pathogenic (2); Likely pathogenic (1). Last evaluated 2022-10-03.

Conditions:
Neurodevelopmental disorder. Identifiers: MedGen C1535926, MeSH D065886, MONDO:0700092.
Macroglossia. Also called: Enlarged tongue; Giant tongue. Identifiers: Orphanet 156207, MedGen C0024421, MONDO:0015496, HP:0000158.
Global developmental delay (DD). Also called: Cognitive delay. Identifiers: MedGen C0557874, HP:0001263. Disease mechanism: loss of function.
Short 5th finger. Identifiers: MedGen C1842878, HP:0009237.
Abnormality of the face. Identifiers: MedGen C4025871, HP:0000271.

Submissions (3):

GeneDx
Classification: Pathogenic. Last evaluated: 2022-10-03. Review status: criteria provided, single submitter. Criteria: GeneDx Variant Classification Process June 2021. Collection method: clinical testing. Allele origin: germline. Affected: yes.
Comment: Nonsense variant predicted to result in protein truncation or nonsense mediated decay in a gene for which loss of function is a known mechanism of disease; Not observed at significant frequency in large population cohorts (gnomAD); Has not been previously published as pathogenic or benign to our knowledge

Laboratory of Molecular Genetics (Pr. Bezieau's lab), CHU de Nantes
Classification: Pathogenic for Neurodevelopmental disorder. Last evaluated: 2022-07-05. Review status: criteria provided, single submitter. Criteria: ACMG Guidelines, 2015. Collection method: clinical testing. Allele origin: germline. Affected: yes.

Institute of Human Genetics, University of Leipzig Medical Center
Classification: Likely pathogenic for Macroglossia; Abnormality of the face; Global developmental delay; Short 5th finger. Last evaluated: 2021-09-30. Review status: criteria provided, single submitter. Criteria: ACMG Guidelines, 2015. Collection method: clinical testing. Allele origin: unknown. Affected: yes.
Comment: _x000D_ Criteria applied: PVS1, PM2_SUP

NM_020791.4(TAOK1):c.1303C>T (p.Arg435Ter)

Gene: TAOK1 (TAO kinase 1; plus strand). Cytogenetic location: 17q11.2.
Variant type: single nucleotide variant.
Coding change: c.1303C>T on transcript NM_020791.4 (MANE Select); coding-DNA position 1303, C replaced by T.
Protein change: p.Arg435Ter; replaces arginine 435 with a stop codon.
Molecular consequence: nonsense.
Genome position (GRCh38, 1-based): chr17:29,502,688, C>T. VCF-style: chr17-29502688-C-T. GRCh37 (hg19) VCF-style: chr17-27829706-C-T.
Other names: c.1303C>T, p.Arg435Ter (NM_025142.1); c.1303C>T (NM_020791.2); short protein forms R435*.
Identifiers: ClinVar variation 1299338 (VCV001299338.3), dbSNP rs2153028697, ClinGen allele CA399195515.